The following is an entry in ClinVar:

NM_000288.4(PEX7):c.*272A>G

Gene: PEX7 (peroxisomal biogenesis factor 7; plus strand). Cytogenetic location: 6q23.3.
Variant type: single nucleotide variant.
Coding change: c.*272A>G on transcript NM_000288.4 (MANE Select); 272 bases downstream of the stop codon, A replaced by G.
Molecular consequence: 3 prime UTR variant.
Genome position (GRCh38, 1-based): chr6:136,913,798, A>G. VCF-style: chr6-136913798-A-G. GRCh37 (hg19) VCF-style: chr6-137234936-A-G.
Identifiers: ClinVar variation 355540 (VCV000355540.5), dbSNP rs186705952, ClinGen allele CA10626113.

ClinVar aggregate classification (germline): Conflicting classifications of pathogenicity. Review status: criteria provided, conflicting classifications (1 of 4 stars). 2 submissions from 1 submitter: Uncertain significance (1); Likely benign (1). Last evaluated 2018-01-13.

Conditions:
Peroxisome biogenesis disorder 9B. Also called: Refsum disease, adult, 2; PEX7-Related Refsum Disease; PEROXISOME BIOGENESIS DISORDER, PEX7-RELATED, ATYPICAL. Identifiers: Orphanet 773, MedGen C2749346, MONDO:0013945, OMIM 614879.
Rhizomelic chondrodysplasia punctata type 1 (RCDP1). Also called: CHONDRODYSTROPHIA CALCIFICANS PUNCTATA; PEX7-Related Rhizomelic Chondrodysplasia Punctata; PEROXISOME BIOGENESIS DISORDER 9. Identifiers: Orphanet 177, Orphanet 309789, MedGen C1859133, MONDO:0008972, OMIM 215100. Disease mechanism: loss of function.

Allele frequency attached by ClinVar (database versions not stated): 1000 Genomes Project 0.00080; 1000 Genomes Project 30x 0.00109; TOPMed 0.00132; gnomAD 0.00142 and 0.00145.
gnomAD v4.1: 573 of 386,718 alleles (0.15%); highest among the groups gnomAD compares: Middle Eastern, 0.52%; 1 homozygote.

Submissions (2):

Illumina Laboratory Services, Illumina
Classification: Likely benign for Peroxisome biogenesis disorder 9B. Last evaluated: 2018-01-13. Review status: criteria provided, single submitter. Criteria: ICSL Variant Classification Criteria 13 December 2019. Collection method: clinical testing. Allele origin: germline.
Comment: This variant was observed in the ICSL laboratory as part of a predisposition screen in an ostensibly healthy population. It had not been previously curated by ICSL or reported in the Human Gene Mutation Database (HGMD: prior to June 1st, 2018), and was therefore a candidate for classification through an automated scoring system. Utilizing variant allele frequency, disease prevalence and penetrance estimates, and inheritance mode, an automated score was calculated to assess if this variant is too frequent to cause the disease. Based on the score and internal cut-off values, a variant classified as likely benign is not then subjected to further curation. The score for this variant resulted in a classification of likely benign for this disease.

Illumina Laboratory Services, Illumina
Classification: Uncertain significance for Rhizomelic chondrodysplasia punctata type 1. Last evaluated: 2018-01-13. Review status: criteria provided, single submitter. Criteria: ICSL Variant Classification Criteria 13 December 2019. Collection method: clinical testing. Allele origin: germline.